The following is an entry in ClinVar:

NM_004006.3(DMD):c.400del (p.Thr134fs)

Gene: DMD (dystrophin; minus strand). Cytogenetic location: Xp21.1.
Variant type: Deletion.
Coding change: c.400del on transcript NM_004006.3 (MANE Select); coding-DNA position 400, one base deleted (A; older notation c.400delA).
Protein change: p.Thr134fs; shifts the reading frame from threonine 134.
Molecular consequence: frameshift variant.
Genome position (GRCh38, 1-based): chrX:32,816,598, T deleted on the plus strand (A on the coding strand, the reverse complement: DMD is on the minus strand); the first of 3 consecutive T bases (chrX:32,816,598-32,816,600); deleting any one gives the same sequence. VCF-style (leftmost placement, unchanged base first): chrX-32816597-GT-G. GRCh37 (hg19) VCF-style: chrX-32834714-GT-G.
Other names: c.376del, p.Thr126fs (NM_000109.4); c.388del, p.Thr130fs (NM_004009.3); c.31del, p.Thr11fs (NM_004010.3); short protein forms T134fs, T11fs, T130fs, T126fs.
Identifiers: ClinVar variation 1388429 (VCV001388429.6), dbSNP rs2148807456, ClinGen allele CA2573158593.

ClinVar aggregate classification (germline): Pathogenic (1 of 4 stars; one submission).

Conditions:
Duchenne muscular dystrophy (DMD). Also called: MUSCULAR DYSTROPHY, PSEUDOHYPERTROPHIC PROGRESSIVE, DUCHENNE TYPE; Duchenne Muscular Dystrophy (DMD). Identifiers: Orphanet 98896, MedGen C0013264, MONDO:0010679, OMIM 310200.

Submission:

Labcorp Genetics (formerly Invitae), Labcorp
Classification: Pathogenic for Duchenne muscular dystrophy. Last evaluated: 2021-08-01. Review status: criteria provided, single submitter. Criteria: Invitae Variant Classification Sherloc (09022015). Collection method: clinical testing. Allele origin: germline.
Comment: For these reasons, this variant has been classified as Pathogenic. This variant has not been reported in the literature in individuals affected with DMD-related conditions. This variant is not present in population databases (ExAC no frequency). This sequence change creates a premature translational stop signal (p.Thr134Profs*8) in the DMD gene. It is expected to result in an absent or disrupted protein product. Loss-of-function variants in DMD are known to be pathogenic (PMID: 16770791, 25007885).

Literature cited by the submitters: PubMed 16770791; PubMed 25007885.